The following is an entry in ClinVar:

NM_031889.3(ENAM):c.*264C>G

Gene: ENAM (enamelin; plus strand). Cytogenetic location: 4q13.3.
Variant type: single nucleotide variant.
Coding change: c.*264C>G on transcript NM_031889.3 (MANE Select); 264 bases downstream of the stop codon, C replaced by G.
Molecular consequence: 3 prime UTR variant.
Genome position (GRCh38, 1-based): chr4:70,645,119, C>G. VCF-style: chr4-70645119-C-G. GRCh37 (hg19) VCF-style: chr4-71510836-C-G.
Other names: c.*264C>G (NM_001368133.1).
Identifiers: ClinVar variation 349513 (VCV000349513.8), dbSNP rs7664896, ClinGen allele CA10619127.

ClinVar aggregate classification (germline): Benign. Review status: criteria provided, multiple submitters, no conflicts (2 of 4 stars). 3 submissions from 3 submitters: Benign (3). Last evaluated 2018-11-11.

Conditions:
Amelogenesis imperfecta (AI). Also called: Congenital enamel hypoplasia. Identifiers: Orphanet 88661, MedGen C0002452, MONDO:0019507, HP:0000705.

Allele frequency attached by ClinVar (database versions not stated): gnomAD 0.20555 and 0.21636; 1000 Genomes Project 0.22624; TOPMed 0.22747; 1000 Genomes Project 30x 0.23563.

Submissions (3):

GeneDx
Classification: Benign. Last evaluated: 2018-11-11. Review status: criteria provided, single submitter. Criteria: GeneDx Variant Classification Process June 2021. Collection method: clinical testing. Allele origin: germline. Affected: yes.

Illumina Laboratory Services, Illumina
Classification: Benign for Amelogenesis imperfecta. Last evaluated: 2018-01-13. Review status: criteria provided, single submitter. Criteria: ICSL Variant Classification Criteria 13 December 2019. Collection method: clinical testing. Allele origin: germline.
Comment: This variant was observed in the ICSL laboratory as part of a predisposition screen in an ostensibly healthy population. It had not been previously curated by ICSL or reported in the Human Gene Mutation Database (HGMD: prior to June 1st, 2018), and was therefore a candidate for classification through an automated scoring system. Utilizing variant allele frequency, disease prevalence and penetrance estimates, and inheritance mode, an automated score was calculated to assess if this variant is too frequent to cause the disease. Based on the score and internal cut-off values, a variant classified as benign is not then subjected to further curation. The score for this variant resulted in a classification of benign for this disease.

Breakthrough Genomics
Classification: Benign. Review status: criteria provided, single submitter. Criteria: ACMG Guidelines, 2015. Collection method: not provided. Allele origin: germline. Inheritance: Autosomal recessive inheritance. Affected: yes.